The following is an entry in ClinVar:

NM_015311.3(OBSL1):c.3721G>A (p.Gly1241Arg)

Gene: OBSL1 (obscurin like cytoskeletal adaptor 1; minus strand). Cytogenetic location: 2q35.
Variant type: single nucleotide variant.
Coding change: c.3721G>A on transcript NM_015311.3 (MANE Select); coding-DNA position 3721, G replaced by A.
Protein change: p.Gly1241Arg; replaces glycine 1241 with arginine.
Molecular consequence: missense variant.
Genome position (GRCh38, 1-based): chr2:219,557,892, C>T on the plus strand (G>A on the coding strand, the complement: OBSL1 is on the minus strand). VCF-style: chr2-219557892-C-T. GRCh37 (hg19) VCF-style: chr2-220422614-C-T.
Other names: c.3721G>A, p.Gly1241Arg (NM_001173431.2); short protein forms G1241R.
Identifiers: ClinVar variation 2419590 (VCV002419590.6), dbSNP rs2546232008, ClinGen allele CA350734632.
Genomic context (GRCh38, chr2:219,557,892, plus strand): 5'-GGACGGTGAAGCTGAGGCTTGGGGCTCCGGGGGCTGCTCCAGACTGGCAGGTGTAGAGCC[C>T]TGCATGGGCTGGGCCTGCAGCCTGGATGCAGAGGACTCGGCGGGGGCCCTCGGCATGGAG-3'
Protein context (NP_056126.1, residues 1231-1251): CIQAAGPAHA[Gly1241Arg]LYTCQSGAAP

ClinVar aggregate classification (germline): Uncertain significance (1 of 4 stars; one submission).

Allele frequency attached by ClinVar (database versions not stated): gnomAD exomes below 0.00001.
gnomAD v4.1: 2 of 1,602,054 alleles (0.00012%); highest among the groups gnomAD compares: Admixed American, 0.0017%; no homozygotes.

Submission:

Labcorp Genetics (formerly Invitae), Labcorp
Classification: Uncertain significance. Last evaluated: 2022-06-25. Review status: criteria provided, single submitter. Criteria: Invitae Variant Classification Sherloc (09022015). Collection method: clinical testing. Allele origin: germline.
Comment: In summary, the available evidence is currently insufficient to determine the role of this variant in disease. Therefore, it has been classified as a Variant of Uncertain Significance. Algorithms developed to predict the effect of missense changes on protein structure and function are either unavailable or do not agree on the potential impact of this missense change (SIFT: "Deleterious"; PolyPhen-2: "Probably Damaging"; Align-GVGD: "Class C15"). This variant has not been reported in the literature in individuals affected with OBSL1-related conditions. This variant is not present in population databases (gnomAD no frequency). This sequence change replaces glycine, which is neutral and non-polar, with arginine, which is basic and polar, at codon 1241 of the OBSL1 protein (p.Gly1241Arg).